The following is an entry in ClinVar:

NM_001267550.2(TTN):c.52821T>C (p.Asp17607=)

Genes: TTN (titin; minus strand), TTN-AS1 (TTN antisense RNA 1; plus strand), LOC126806425 (BRD4-independent group 4 enhancer GRCh37_chr2:179471933-179473132; plus strand). Cytogenetic location: 2q31.2.
Variant type: single nucleotide variant.
Coding change: c.52821T>C on transcript NM_001267550.2 (MANE Select); coding-DNA position 52821, T replaced by C.
Protein change: p.Asp17607=; no amino-acid change (aspartic acid 17607 retained).
Molecular consequence: synonymous variant.
Genome position (GRCh38, 1-based): chr2:178,607,966, A>G on the plus strand (T>C on the coding strand, the complement: TTN is on the minus strand). VCF-style: chr2-178607966-A-G. GRCh37 (hg19) VCF-style: chr2-179472693-A-G.
Other names: p.D15039D:GAT>GAC; p.Asp15039=; c.25626T>C, p.Asp8542= (NM_003319.4); c.26001T>C, p.Asp8667= (NM_133432.3); c.26202T>C, p.Asp8734= (NM_133437.4); c.47898T>C, p.Asp15966= (NM_001256850.1); c.45117T>C, p.Asp15039= (NM_133378.4).
Identifiers: ClinVar variation 47065 (VCV000047065.37), dbSNP rs2303831, ClinGen allele CA283408.

ClinVar aggregate classification (germline): Benign/Likely benign. Review status: criteria provided, multiple submitters, no conflicts (2 of 4 stars). 24 submissions from 17 submitters: Benign (18); Likely benign (2). 4 of the submissions do not count toward it. Last evaluated 2026-02-04.

Conditions:
Cardiovascular phenotype. Identifiers: MedGen CN230736.
Dilated cardiomyopathy 1G (CMD1G). Identifiers: Orphanet 154, MedGen C1858763, MONDO:0011400, OMIM 604145.
Autosomal recessive limb-girdle muscular dystrophy type 2J (LGMDR10). Also called: Limb-girdle muscular dystrophy, type 2J; MUSCULAR DYSTROPHY, LIMB-GIRDLE, AUTOSOMAL RECESSIVE 10. Identifiers: Orphanet 140922, MedGen C1837342, MONDO:0012127, OMIM 608807.
Early-onset myopathy with fatal cardiomyopathy (CMYO5). Also called: CONGENITAL MYOPATHY 5 WITH CARDIOMYOPATHY; Salih Myopathy. Identifiers: Orphanet 289377, MedGen C2673677, MONDO:0012714, OMIM 611705. Disease mechanism: loss of function.
Myopathy, myofibrillar, 9, with early respiratory failure (MFM9). Also called: MYOPATHY, PROXIMAL, WITH EARLY RESPIRATORY MUSCLE INVOLVEMENT; Myopathy, distal, with early respiratory failure, autosomal dominant; Hereditary myopathy with early respiratory failure; EDSTROM MYOPATHY. Identifiers: Orphanet 178464, Orphanet 34521, MedGen C1863599, MONDO:0011362, OMIM 603689.
Tibial muscular dystrophy (TMD). Also called: Tibial muscular dystrophy, tardive; UDD MYOPATHY; Udd Distal Myopathy – Tibial Muscular Dystrophy. Identifiers: Orphanet 609, MedGen C1838244, MONDO:0010870, OMIM 600334.

Allele frequency attached by ClinVar (database versions not stated): ESP Exome Variant Server 0.01560; TOPMed 0.01996; gnomAD 0.02082 and 0.02147; gnomAD exomes 0.02398 and 0.02944; 1000 Genomes Project 30x 0.02826; ExAC 0.02958; 1000 Genomes Project 0.03055.
gnomAD v4.1: 38,299 of 1,612,930 alleles (2.4%); highest among the groups gnomAD compares: East Asian, 9.3%; 646 homozygotes.

Submissions (24):

Labcorp Genetics (formerly Invitae), Labcorp
Classification: Benign for Dilated cardiomyopathy 1G; Autosomal recessive limb-girdle muscular dystrophy type 2J. Last evaluated: 2026-02-04. Review status: criteria provided, single submitter. Criteria: Invitae Variant Classification Sherloc (09022015). Collection method: clinical testing. Allele origin: germline.

Molecular Diagnostic Laboratory for Inherited Cardiovascular Disease, Montreal Heart Institute
Classification: Benign. Last evaluated: 2025-04-09. Review status: criteria provided, single submitter. Criteria: ACMG Guidelines, 2015. Collection method: clinical testing. Allele origin: germline. Affected: no.
Comment: BA1

Genome-Nilou Lab
Classification: Benign for Autosomal recessive limb-girdle muscular dystrophy type 2J. Last evaluated: 2021-09-10. Review status: criteria provided, single submitter. Criteria: ACMG Guidelines, 2015. Collection method: clinical testing. Allele origin: germline. Affected: no.

Genome-Nilou Lab
Classification: Benign for Myopathy, myofibrillar, 9, with early respiratory failure. Last evaluated: 2021-09-10. Review status: criteria provided, single submitter. Criteria: ACMG Guidelines, 2015. Collection method: clinical testing. Allele origin: germline. Affected: no.

Genome-Nilou Lab
Classification: Benign for Early-onset myopathy with fatal cardiomyopathy. Last evaluated: 2021-09-10. Review status: criteria provided, single submitter. Criteria: ACMG Guidelines, 2015. Collection method: clinical testing. Allele origin: germline. Affected: no.

Genome-Nilou Lab
Classification: Benign for Tibial muscular dystrophy. Last evaluated: 2021-09-10. Review status: criteria provided, single submitter. Criteria: ACMG Guidelines, 2015. Collection method: clinical testing. Allele origin: germline. Affected: no.

Women's Health and Genetics/Laboratory Corporation of America, LabCorp
Classification: Benign. Last evaluated: 2020-01-11. Review status: criteria provided, single submitter. Criteria: LabCorp Variant Classification Summary - May 2015. Collection method: clinical testing. Allele origin: germline.

Athena Diagnostics
Classification: Benign. Last evaluated: 2019-01-16. Review status: criteria provided, single submitter. Criteria: Athena Diagnostics Criteria. Collection method: clinical testing. Allele origin: germline.

Illumina Laboratory Services, Illumina
Classification: Likely benign for Dilated cardiomyopathy 1G. Last evaluated: 2018-01-12. Review status: criteria provided, single submitter. Criteria: ICSL Variant Classification Criteria 13 December 2019. Collection method: clinical testing. Allele origin: germline.
Comment: This variant was observed in the ICSL laboratory as part of a predisposition screen in an ostensibly healthy population. It had not been previously curated by ICSL or reported in the Human Gene Mutation Database (HGMD: prior to June 1st, 2018), and was therefore a candidate for classification through an automated scoring system. Utilizing variant allele frequency, disease prevalence and penetrance estimates, and inheritance mode, an automated score was calculated to assess if this variant is too frequent to cause the disease. Based on the score and internal cut-off values, a variant classified as likely benign is not then subjected to further curation. The score for this variant resulted in a classification of likely benign for this disease.

Illumina Laboratory Services, Illumina
Classification: Benign for Tibial muscular dystrophy. Last evaluated: 2018-01-12. Review status: criteria provided, single submitter. Criteria: ICSL Variant Classification Criteria 13 December 2019. Collection method: clinical testing. Allele origin: germline.
Comment: This variant was observed in the ICSL laboratory as part of a predisposition screen in an ostensibly healthy population. It had not been previously curated by ICSL or reported in the Human Gene Mutation Database (HGMD: prior to June 1st, 2018), and was therefore a candidate for classification through an automated scoring system. Utilizing variant allele frequency, disease prevalence and penetrance estimates, and inheritance mode, an automated score was calculated to assess if this variant is too frequent to cause the disease. Based on the score and internal cut-off values, a variant classified as benign is not then subjected to further curation. The score for this variant resulted in a classification of benign for this disease.

Illumina Laboratory Services, Illumina
Classification: Benign for Myopathy, myofibrillar, 9, with early respiratory failure. Last evaluated: 2018-01-12. Review status: criteria provided, single submitter. Criteria: ICSL Variant Classification Criteria 13 December 2019. Collection method: clinical testing. Allele origin: germline.
Comment: the same text as in the submission from Illumina Laboratory Services, Illumina above.

Illumina Laboratory Services, Illumina
Classification: Benign for Autosomal recessive limb-girdle muscular dystrophy type 2J. Last evaluated: 2018-01-12. Review status: criteria provided, single submitter. Criteria: ICSL Variant Classification Criteria 13 December 2019. Collection method: clinical testing. Allele origin: germline.
Comment: the same text as in the submission from Illumina Laboratory Services, Illumina above.

Illumina Laboratory Services, Illumina
Classification: Benign for Early-onset myopathy with fatal cardiomyopathy. Last evaluated: 2018-01-12. Review status: criteria provided, single submitter. Criteria: ICSL Variant Classification Criteria 13 December 2019. Collection method: clinical testing. Allele origin: germline.
Comment: the same text as in the submission from Illumina Laboratory Services, Illumina above.

Mayo Clinic Laboratories, Mayo Clinic
Classification: Benign. Last evaluated: 2017-10-03. Review status: criteria provided, single submitter. Criteria: ACMG Guidelines, 2015. Collection method: clinical testing. Allele origin: germline. Observed: 100 variant alleles.

Genetic Services Laboratory, University of Chicago
Classification: Benign for AllHighlyPenetrant. Last evaluated: 2013-08-15. Review status: criteria provided, single submitter. Criteria: ACMG Guidelines, 2007. Collection method: clinical testing. Allele origin: germline.

GeneDx
Classification: Benign. Last evaluated: 2013-04-29. Review status: criteria provided, single submitter. Criteria: GeneDx Variant Classification (06012015). Collection method: clinical testing. Allele origin: germline. Affected: yes.
Comment: This variant is considered likely benign or benign based on one or more of the following criteria: it is a conservative change, it occurs at a poorly conserved position in the protein, it is predicted to be benign by multiple in silico algorithms, and/or has population frequency not consistent with disease.

Ambry Genetics
Classification: Benign for Cardiovascular phenotype. Last evaluated: 2013-02-04. Review status: criteria provided, single submitter. Criteria: Ambry Autosomal Dominant and X-Linked criteria (10/2015). Collection method: clinical testing. Allele origin: germline. Observed: 1 variant allele.

Laboratory for Molecular Medicine, Mass General Brigham Personalized Medicine
Classification: Benign. Last evaluated: 2012-04-26. Review status: criteria provided, single submitter. Criteria: LMM Criteria. Collection method: clinical testing. Allele origin: germline. Observed: 70 variant alleles.
Comment: Asp15039Asp in TTN: This variant is not expected to have clinical significance b ecause it does not alter an amino acid residue. It has been identified in 2.2% ( 150/6746) of European American chromosomes from a broad population by the NHLBI Exome Sequencing Project (rs2303831). Asp15 039Asp in TTN (rs2303831; allele frequency = 2.2%, 150/6746) **

Breakthrough Genomics
Classification: Likely benign. Review status: criteria provided, single submitter. Criteria: ACMG Guidelines, 2015. Collection method: not provided. Allele origin: germline. Inheritance: Autosomal recessive inheritance. Affected: yes.

PreventionGenetics, part of Exact Sciences
Classification: Benign. Review status: criteria provided, single submitter. Criteria: ACMG Guidelines, 2015. Collection method: clinical testing. Allele origin: germline.

Clinical Genetics DNA and cytogenetics Diagnostics Lab, Erasmus MC, Erasmus Medical Center
Classification: Benign. Review status: no assertion criteria provided. Collection method: clinical testing. Allele origin: germline. Affected: yes. Study: VKGL Data-share Consensus. Not counted in ClinVar's aggregate classification.

Clinical Genetics, Academic Medical Center
Classification: Benign. Review status: no assertion criteria provided. Collection method: clinical testing. Allele origin: germline. Affected: yes. Study: VKGL Data-share Consensus. Not counted in ClinVar's aggregate classification.

Genome Diagnostics Laboratory, University Medical Center Utrecht
Classification: Benign. Review status: no assertion criteria provided. Collection method: clinical testing. Allele origin: germline. Affected: yes. Study: VKGL Data-share Consensus. Not counted in ClinVar's aggregate classification.

Laboratory of Diagnostic Genome Analysis, Leiden University Medical Center (LUMC)
Classification: Benign. Review status: no assertion criteria provided. Collection method: clinical testing. Allele origin: germline. Affected: yes. Study: VKGL Data-share Consensus. Not counted in ClinVar's aggregate classification.